The following is an entry in ClinVar:

ClinVar aggregate classification (germline): Benign/Likely benign. Review status: criteria provided, multiple submitters, no conflicts (2 of 4 stars). 8 submissions from 8 submitters: Benign (7); Likely benign (1). Last evaluated 2026-02-04.

Conditions:
Aortic aneurysm, familial thoracic 9 (AAT9). Identifiers: MedGen C4015368, MONDO:0014514, OMIM 616166.
Cardiovascular phenotype. Identifiers: MedGen CN230736.

Allele frequency attached by ClinVar (database versions not stated): gnomAD exomes 0.38770 and 0.40802; ESP Exome Variant Server 0.40474; TOPMed 0.41475; ExAC 0.41653; gnomAD 0.42157 and 0.42187; 1000 Genomes Project 0.42931; 1000 Genomes Project 30x 0.43348.
gnomAD v4.1: 621,834 of 1,590,546 alleles (39%); highest among the groups gnomAD compares: African/African-American, 48%; 123,596 homozygotes.

Submissions (8):

Labcorp Genetics (formerly Invitae), Labcorp
Classification: Benign. Last evaluated: 2026-02-04. Review status: criteria provided, single submitter. Criteria: Invitae Variant Classification Sherloc (09022015). Collection method: clinical testing. Allele origin: germline.

Blueprint Genetics
Classification: Likely benign. Last evaluated: 2024-11-27. Review status: criteria provided, single submitter. Criteria: ACMG Guidelines, 2015. Collection method: clinical testing. Allele origin: germline.

Women's Health and Genetics/Laboratory Corporation of America, LabCorp
Classification: Benign. Last evaluated: 2023-04-04. Review status: criteria provided, single submitter. Criteria: LabCorp Variant Classification Summary - May 2015. Collection method: clinical testing. Allele origin: germline.

Genome-Nilou Lab
Classification: Benign for Aortic aneurysm, familial thoracic 9. Last evaluated: 2021-09-05. Review status: criteria provided, single submitter. Criteria: ACMG Guidelines, 2015. Collection method: clinical testing. Allele origin: germline. Affected: no.

Ambry Genetics
Classification: Benign for Cardiovascular phenotype. Last evaluated: 2018-12-04. Review status: criteria provided, single submitter. Criteria: Ambry Variant Classification Scheme 2023. Collection method: clinical testing. Allele origin: germline.

Mayo Clinic Laboratories, Mayo Clinic
Classification: Benign. Last evaluated: 2017-11-10. Review status: criteria provided, single submitter. Criteria: ACMG Guidelines, 2015. Collection method: clinical testing. Allele origin: germline. Observed: 937 variant alleles.

GeneDx
Classification: Benign. Last evaluated: 2016-09-23. Review status: criteria provided, single submitter. Criteria: GeneDx Variant Classification (06012015). Collection method: clinical testing. Allele origin: germline. Affected: yes.
Comment: This variant is considered likely benign or benign based on one or more of the following criteria: it is a conservative change, it occurs at a poorly conserved position in the protein, it is predicted to be benign by multiple in silico algorithms, and/or has population frequency not consistent with disease.

Breakthrough Genomics
Classification: Benign. Review status: criteria provided, single submitter. Criteria: ACMG Guidelines, 2015. Collection method: not provided. Allele origin: germline. Inheritance: Autosomal dominant inheritance. Affected: yes.

NM_003480.4(MFAP5):c.172+5A>G

Gene: MFAP5 (microfibril associated protein 5; minus strand). Cytogenetic location: 12p13.31.
Variant type: single nucleotide variant.
Coding change: c.172+5A>G on transcript NM_003480.4 (MANE Select); 5 bases into the intron after coding-DNA position 172, A replaced by G.
Molecular consequence: intron variant.
Genome position (GRCh38, 1-based): chr12:8,655,410, T>C on the plus strand (A>G on the coding strand, the complement: MFAP5 is on the minus strand). VCF-style: chr12-8655410-T-C. GRCh37 (hg19) VCF-style: chr12-8808006-T-C.
Other names: c.172+5A>G (NM_003480.2, NM_001297711.2, NM_001297712.2 and 1 more transcripts); c.136+5A>G (NM_001297710.2).
Identifiers: ClinVar variation 381191 (VCV000381191.16), dbSNP rs11046589, ClinGen allele CA6434715.